The following is an entry in ClinVar:

ClinVar aggregate classification (germline): Uncertain significance (1 of 4 stars; one submission).

Conditions:
Nemaline myopathy 2 (NEM2). Also called: Nemaline myopathy 2, autosomal recessive. Identifiers: MedGen C1850569, MONDO:0009725, OMIM 256030.

Allele frequency attached by ClinVar (database versions not stated): gnomAD exomes below 0.00001.
gnomAD v4.1: 1 of 1,613,930 alleles (0.000062%); highest among the groups gnomAD compares: Non-Finnish European, 0.000085%; no homozygotes.

Submission:

Labcorp Genetics (formerly Invitae), Labcorp
Classification: Uncertain significance for Nemaline myopathy 2. Last evaluated: 2020-06-04. Review status: criteria provided, single submitter. Criteria: Invitae Variant Classification Sherloc (09022015). Collection method: clinical testing. Allele origin: germline.
Comment: This sequence change replaces valine with alanine at codon 5833 of the NEB protein (p.Val5833Ala). The valine residue is moderately conserved and there is a small physicochemical difference between valine and alanine. This variant is not present in population databases (ExAC no frequency). This variant has not been reported in the literature in individuals with NEB-related conditions. Algorithms developed to predict the effect of missense changes on protein structure and function are either unavailable or do not agree on the potential impact of this missense change (SIFT: "Deleterious"; PolyPhen-2: "Not Available"; Align-GVGD: "Class C0"). In summary, the available evidence is currently insufficient to determine the role of this variant in disease. Therefore, it has been classified as a Variant of Uncertain Significance.

NM_001164508.2(NEB):c.17498T>C (p.Val5833Ala)

Gene: NEB (nebulin; minus strand). Cytogenetic location: 2q23.3.
Variant type: single nucleotide variant.
Coding change: c.17498T>C on transcript NM_001164508.2 (MANE Select); coding-DNA position 17498, T replaced by C.
Protein change: p.Val5833Ala; replaces valine 5833 with alanine.
Molecular consequence: missense variant.
Genome position (GRCh38, 1-based): chr2:151,569,305, A>G on the plus strand (T>C on the coding strand, the complement: NEB is on the minus strand). VCF-style: chr2-151569305-A-G. GRCh37 (hg19) VCF-style: chr2-152425819-A-G.
Other names: c.17498T>C, p.Val5833Ala (NM_001164507.2, NM_001271208.2); c.12395T>C, p.Val4132Ala (NM_004543.5); short protein forms V5833A, V4132A.
Identifiers: ClinVar variation 1979428 (VCV001979428.1), dbSNP rs2153749560, ClinGen allele CA348805894.
Genomic context (GRCh38, chr2:151,569,305, plus strand): 5'-GTCAGGGTAAAATCTTGGAATACCTCACTGAAGATGTCCGCGGCATGTTTGGCATGATTG[A>G]CGGACACGGAGTCATTTGGCATCCACCCAATTCCACGCAACCATTCCAAGTCAGCCTTGT-3'
Protein context (NP_001157980.2, residues 5823-5843): IGWMPNDSVS[Val5833Ala]NHAKHAADIF